The following is an entry in ClinVar:

NM_033026.6(PCLO):c.7723T>C (p.Ser2575Pro)

Gene: PCLO (piccolo presynaptic cytomatrix protein; minus strand). Cytogenetic location: 7q21.11.
Variant type: single nucleotide variant.
Coding change: c.7723T>C on transcript NM_033026.6 (MANE Select); coding-DNA position 7723, T replaced by C.
Protein change: p.Ser2575Pro; replaces serine 2575 with proline.
Molecular consequence: missense variant.
Genome position (GRCh38, 1-based): chr7:82,953,230, A>G on the plus strand (T>C on the coding strand, the complement: PCLO is on the minus strand). VCF-style: chr7-82953230-A-G. GRCh37 (hg19) VCF-style: chr7-82582546-A-G.
Other names: c.7723T>C, p.Ser2575Pro (NM_014510.3); c.7723T>C (NM_033026.5); short protein forms S2575P.
Identifiers: ClinVar variation 1379160 (VCV001379160.4), dbSNP rs201752711, ClinGen allele CA4320253.

ClinVar aggregate classification (germline): Uncertain significance. Review status: criteria provided, multiple submitters, no conflicts (2 of 4 stars). 2 submissions from 2 submitters: Uncertain significance (2). Last evaluated 2023-02-16.

Conditions:
Inborn genetic diseases. Identifiers: MedGen C0950123, MeSH D030342.

Allele frequency attached by ClinVar (database versions not stated): ExAC 0.00007; gnomAD 0.00008 and 0.00009; gnomAD exomes 0.00009 and 0.00010; TOPMed 0.00012; ESP Exome Variant Server 0.00025.
gnomAD v4.1: 163 of 1,613,792 alleles (0.01%); highest among the groups gnomAD compares: Middle Eastern, 0.016%; no homozygotes.

Submissions (2):

Ambry Genetics
Classification: Uncertain significance for Inborn genetic diseases. Last evaluated: 2023-02-16. Review status: criteria provided, single submitter. Criteria: Ambry Variant Classification Scheme 2023. Collection method: clinical testing. Allele origin: germline.

Labcorp Genetics (formerly Invitae), Labcorp
Classification: Uncertain significance. Last evaluated: 2022-09-01. Review status: criteria provided, single submitter. Criteria: Invitae Variant Classification Sherloc (09022015). Collection method: clinical testing. Allele origin: germline.
Comment: This sequence change replaces serine, which is neutral and polar, with proline, which is neutral and non-polar, at codon 2575 of the PCLO protein (p.Ser2575Pro). This variant is present in population databases (rs201752711, gnomAD 0.02%). This variant has not been reported in the literature in individuals affected with PCLO-related conditions. ClinVar contains an entry for this variant (Variation ID: 1379160). Algorithms developed to predict the effect of missense changes on protein structure and function are either unavailable or do not agree on the potential impact of this missense change (SIFT: "Tolerated"; PolyPhen-2: "Not Available"; Align-GVGD: "Class C0"). In summary, the available evidence is currently insufficient to determine the role of this variant in disease. Therefore, it has been classified as a Variant of Uncertain Significance.